The following is an entry in ClinVar:

NM_012210.4(TRIM32):c.232_235del (p.Asp78fs)

Genes: ASTN2 (astrotactin 2; minus strand), TRIM32 (tripartite motif containing 32; plus strand). Cytogenetic location: 9q33.1.
Variant type: Microsatellite.
Coding change: c.232_235del on transcript NM_012210.4 (MANE Select); coding-DNA positions 232 to 235, 4 bases deleted (GACA; older notation c.232_235delGACA).
Protein change: p.Asp78fs; shifts the reading frame from aspartic acid 78.
Molecular consequence: frameshift variant. On other transcripts: intron variant (3).
Genome position (GRCh38, 1-based): chr9:116,697,974-116,697,977, GACA deleted; deleting any 4 consecutive bases within chr9:116,697,970-116,697,977 gives the same sequence; the c. name uses the placement nearest the transcript's 3' end. VCF-style (leftmost placement, unchanged base first): chr9-116697969-TGACA-T. GRCh37 (hg19) VCF-style: chr9-119460248-TGACA-T.
Other names: p.Asp78Ilefs*2; c.232_235del, p.Asp78fs (NM_001099679.2, NM_001379048.1, NM_001379049.1 and 1 more transcripts); c.2653+27798_2653+27801del (NM_014010.5); c.2794+27798_2794+27801del (NM_001365069.1); c.2806+27798_2806+27801del (NM_001365068.1); c.232_235del (NM_012210.3); short protein forms D78fs.
Identifiers: ClinVar variation 2780044 (VCV002780044.5), dbSNP rs746321506, ClinGen allele CA5210925.

ClinVar aggregate classification (germline): Pathogenic/Likely pathogenic. Review status: criteria provided, multiple submitters, no conflicts (2 of 4 stars). 3 submissions from 3 submitters: Pathogenic (1); Likely pathogenic (2). Last evaluated 2025-12-18.

Conditions:
Bardet-Biedl syndrome (BBS). Identifiers: Orphanet 110, MedGen C0752166, MONDO:0015229.
Bardet-Biedl syndrome 11 (BBS11). Identifiers: Orphanet 110, MedGen C1859569, MONDO:0014439, OMIM 615988.
Sarcotubular myopathy (LGMDR8). Also called: Autosomal recessive limb-girdle muscular dystrophy type 2H; Limb-girdle muscular dystrophy, type 2H; MUSCULAR DYSTROPHY, LIMB-GIRDLE, AUTOSOMAL RECESSIVE 8; Hutterite type of muscular dystrophy. Identifiers: Orphanet 1878, MedGen C0270968, MONDO:0009683, OMIM 254110.

Submissions (3):

Mayo Clinic Laboratories, Mayo Clinic
Classification: Likely pathogenic. Last evaluated: 2025-12-18. Review status: criteria provided, single submitter. Criteria: ACMG Guidelines, 2015. Collection method: clinical testing. Allele origin: germline. Observed: 1 variant allele.
Comment: PM2_supporting, PVS1_strong

Labcorp Genetics (formerly Invitae), Labcorp
Classification: Pathogenic for Bardet-Biedl syndrome. Last evaluated: 2025-10-29. Review status: criteria provided, single submitter. Criteria: Invitae Variant Classification Sherloc (09022015). Collection method: clinical testing. Allele origin: germline.
Comment: This sequence change creates a premature translational stop signal (p.Asp78Ilefs*2) in the TRIM32 gene. While this is not anticipated to result in nonsense mediated decay, it is expected to disrupt the last 576 amino acid(s) of the TRIM32 protein. This variant is not present in population databases (gnomAD no frequency). This variant has not been reported in the literature in individuals affected with TRIM32-related conditions. This variant disrupts a region of the TRIM32 protein in which other variant(s) (p.Val591Met) have been determined to be pathogenic (PMID: 30823891). This suggests that this is a clinically significant region of the protein, and that variants that disrupt it are likely to be disease-causing. For these reasons, this variant has been classified as Pathogenic.

Fulgent Genetics
Classification: Likely pathogenic for Sarcotubular myopathy; Bardet-Biedl syndrome 11. Last evaluated: 2024-03-18. Review status: criteria provided, single submitter. Criteria: ACMG Guidelines, 2015. Collection method: clinical testing. Allele origin: germline.

Literature cited by the submitters: PubMed 30823891 (cited by Labcorp Genetics (formerly Invitae), Labcorp).